The following is an entry in ClinVar:

ClinVar aggregate classification (germline): Uncertain significance. Review status: criteria provided, multiple submitters, no conflicts (2 of 4 stars). 2 submissions from 2 submitters: Uncertain significance (2). Last evaluated 2025-06-13.

Conditions:
Hereditary cancer-predisposing syndrome. Also called: Neoplastic Syndromes, Hereditary; Hereditary Cancer Syndrome; Hereditary neoplastic syndrome; Tumor predisposition. Identifiers: Orphanet 140162, MedGen C0027672, MeSH D009386, MONDO:0015356.
Cardiovascular phenotype. Identifiers: MedGen CN230736.

Submissions (2):

Ambry Genetics
Classification: Uncertain significance for Cardiovascular phenotype; Hereditary cancer-predisposing syndrome. Last evaluated: 2025-06-13. Review status: criteria provided, single submitter. Criteria: Ambry Variant Classification Scheme 2023. Collection method: clinical testing. Allele origin: germline.
Comment: The p.T159A variant (also known as c.475A>G), located in coding exon 5 of the LZTR1 gene, results from an A to G substitution at nucleotide position 475. The threonine at codon 159 is replaced by alanine, an amino acid with similar properties. This amino acid position is conserved. In addition, the in silico prediction for this alteration is inconclusive. Based on the available evidence, the clinical significance of this variant remains unclear.

Labcorp Genetics (formerly Invitae), Labcorp
Classification: Uncertain significance. Last evaluated: 2023-10-06. Review status: criteria provided, single submitter. Criteria: Invitae Variant Classification Sherloc (09022015). Collection method: clinical testing. Allele origin: germline.
Comment: This sequence change replaces threonine, which is neutral and polar, with alanine, which is neutral and non-polar, at codon 159 of the LZTR1 protein (p.Thr159Ala). This variant is not present in population databases (gnomAD no frequency). This variant has not been reported in the literature in individuals affected with LZTR1-related conditions. Advanced modeling of protein sequence and biophysical properties (such as structural, functional, and spatial information, amino acid conservation, physicochemical variation, residue mobility, and thermodynamic stability) performed at Invitae indicates that this missense variant is not expected to disrupt LZTR1 protein function. In summary, the available evidence is currently insufficient to determine the role of this variant in disease. Therefore, it has been classified as a Variant of Uncertain Significance.

NM_006767.4(LZTR1):c.475A>G (p.Thr159Ala)

Gene: LZTR1 (leucine zipper like post translational regulator 1; plus strand). Cytogenetic location: 22q11.21.
Variant type: single nucleotide variant.
Coding change: c.475A>G on transcript NM_006767.4 (MANE Select); coding-DNA position 475, A replaced by G.
Protein change: p.Thr159Ala; replaces threonine 159 with alanine.
Molecular consequence: missense variant.
Genome position (GRCh38, 1-based): chr22:20,988,084, A>G. VCF-style: chr22-20988084-A-G. GRCh37 (hg19) VCF-style: chr22-21342373-A-G.
Other names: c.475A>G (NM_006767.3); short protein forms T159A.
Identifiers: ClinVar variation 2866764 (VCV002866764.4), dbSNP rs2518613335, ClinGen allele CA410779866.